The following is an entry in ClinVar:

ClinVar aggregate classification (germline): Pathogenic (1 of 4 stars; one submission).

Conditions:
Inborn genetic diseases. Identifiers: MedGen C0950123, MeSH D030342.

Submission:

Ambry Genetics
Classification: Pathogenic for Inborn genetic diseases. Last evaluated: 2025-05-15. Review status: criteria provided, single submitter. Criteria: Ambry Variant Classification Scheme 2023. Collection method: clinical testing. Allele origin: germline.
Comment: The c.560_561insAA (p.Y187*) alteration, located in exon 7 (coding exon 5) of the CSDE1 gene, consists of an insertion of AA at position 560, causing a translational frameshift with a predicted alternate stop codon at amino acid position 187. This alteration is expected to result in loss of function by premature protein truncation or nonsense-mediated mRNA decay. This variant was not reported in population-based cohorts in the Genome Aggregation Database (gnomAD). Based on the available evidence, this alteration is classified as pathogenic.

NM_001007553.3(CSDE1):c.422_423insAA (p.Tyr141Ter)

Gene: CSDE1 (cold shock domain containing E1; minus strand). Cytogenetic location: 1p13.2.
Variant type: Insertion.
Coding change: c.422_423insAA on transcript NM_001007553.3 (MANE Select); coding-DNA positions 422 to 423, AA inserted.
Protein change: p.Tyr141Ter; replaces tyrosine 141 with a stop codon.
Molecular consequence: nonsense.
Genome position: GRCh38 VCF-style: chr1-114736835-G-GTT. GRCh37 (hg19) VCF-style: chr1-115279456-G-GTT.
Other names: c.467_468insAA, p.Tyr156Ter (NM_001130523.3); c.560_561insAA, p.Tyr187Ter (NM_001242891.2); c.422_423insAA, p.Tyr141Ter (NM_001242892.2); c.329_330insAA, p.Tyr110Ter (NM_001242893.2, NM_007158.6); short protein forms Y156*, Y187*, Y141*, Y110*.
Identifiers: ClinVar variation 4007289 (VCV004007289.1).
Genomic context (GRCh38, chr1:114,736,835, plus strand): 5'-TACAAAGTTTATTTTATCTCCAGTTTCCAGCTGAACGTTCCCTTCGACATCTTCAGGGGT[G>GTT]TAAGTCAGATAAAACACTTCCTGTGAATTAATAAATCATTATTACTATTTTGGCAGGATG-3'